The following is an entry in ClinVar:

NM_001244008.2(KIF1A):c.4126G>A (p.Glu1376Lys)

Gene: KIF1A (kinesin family member 1A; minus strand). Cytogenetic location: 2q37.3.
Variant type: single nucleotide variant.
Coding change: c.4126G>A on transcript NM_001244008.2 (MANE Select); coding-DNA position 4126, G replaced by A.
Protein change: p.Glu1376Lys; replaces glutamic acid 1376 with lysine.
Molecular consequence: missense variant.
Genome position (GRCh38, 1-based): chr2:240,725,401, C>T on the plus strand (G>A on the coding strand, the complement: KIF1A is on the minus strand). VCF-style: chr2-240725401-C-T. GRCh37 (hg19) VCF-style: chr2-241664818-C-T.
Other names: c.3850G>A, p.Glu1284Lys (NM_001320705.2, NM_001379649.1); c.3877G>A, p.Glu1293Lys (NM_001330289.2); c.3925G>A, p.Glu1309Lys (NM_001330290.2, NM_001379648.1); c.4201G>A, p.Glu1401Lys (NM_001379631.1); c.4102G>A, p.Glu1368Lys (NM_001379632.1); c.4099G>A, p.Glu1367Lys (NM_001379633.1, NM_001379645.1); c.3952G>A, p.Glu1318Lys (NM_001379634.1); c.3949G>A, p.Glu1317Lys (NM_001379635.1, NM_001379646.1); and 7 more; short protein forms E1283K, E1292K, E1367K, E1376K, E1313K, E1401K, E1274K, E1293K.
Identifiers: ClinVar variation 1415832 (VCV001415832.8), dbSNP rs1007488193, ClinGen allele CA68140379.

ClinVar aggregate classification (germline): Uncertain significance (1 of 4 stars; one submission).

Conditions:
Hereditary spastic paraplegia 30. Identifiers: Orphanet 101010, MedGen C5235139, MONDO:0012476.
Neuropathy, hereditary sensory, type 2C. Also called: Hereditary sensory and autonomic neuropathy type IIC; KIF1A-Related HSAN2 (HSAN2C). Identifiers: Orphanet 970, MedGen C3280168, MONDO:0013634, OMIM 614213.
Intellectual disability, autosomal dominant 9 (NESCAVS). Also called: NESCAV SYNDROME; KIF1A-Related Neurodevelopmental Disorder. Identifiers: Orphanet 662367, MedGen C5393830, MONDO:0013656, OMIM 614255.

Allele frequency attached by ClinVar (database versions not stated): gnomAD exomes below 0.00001; TOPMed below 0.00001.
gnomAD v4.1: 1 of 1,612,216 alleles (0.000062%); highest among the groups gnomAD compares: South Asian, 0.0011%; no homozygotes.

Submission:

Labcorp Genetics (formerly Invitae), Labcorp
Classification: Uncertain significance for Hereditary spastic paraplegia 30; Neuropathy, hereditary sensory, type 2C; Intellectual disability, autosomal dominant 9. Last evaluated: 2023-04-09. Review status: criteria provided, single submitter. Criteria: Invitae Variant Classification Sherloc (09022015). Collection method: clinical testing. Allele origin: germline.
Comment: In summary, the available evidence is currently insufficient to determine the role of this variant in disease. Therefore, it has been classified as a Variant of Uncertain Significance. Advanced modeling of protein sequence and biophysical properties (such as structural, functional, and spatial information, amino acid conservation, physicochemical variation, residue mobility, and thermodynamic stability) performed at Invitae indicates that this missense variant is not expected to disrupt KIF1A protein function. ClinVar contains an entry for this variant (Variation ID: 1415832). This variant has not been reported in the literature in individuals affected with KIF1A-related conditions. This variant is not present in population databases (gnomAD no frequency). This sequence change replaces glutamic acid, which is acidic and polar, with lysine, which is basic and polar, at codon 1275 of the KIF1A protein (p.Glu1275Lys).